The following is an entry in ClinVar:

NM_001034853.2(RPGR):c.2605G>T (p.Glu869Ter)

Gene: RPGR (retinitis pigmentosa GTPase regulator; minus strand). Cytogenetic location: Xp11.4.
Variant type: single nucleotide variant.
Coding change: c.2605G>T on transcript NM_001034853.2 (MANE Select); coding-DNA position 2605, G replaced by T.
Protein change: p.Glu869Ter; replaces glutamic acid 869 with a stop codon.
Molecular consequence: nonsense. On other transcripts: intron variant (8).
Genome position (GRCh38, 1-based): chrX:38,286,394, C>A on the plus strand (G>T on the coding strand, the complement: RPGR is on the minus strand). VCF-style: chrX-38286394-C-A. GRCh37 (hg19) VCF-style: chrX-38145647-C-A.
Other names: c.1569+4565G>T (NM_001367249.1, NM_001367250.1); c.1902+700G>T (NM_001367245.1); c.1386+4565G>T (NM_001367251.1); c.1719+700G>T (NM_001367246.1); c.1572+4565G>T (NM_001367247.1); c.1905+700G>T (NM_000328.3); c.1602+4565G>T (NM_001367248.1); short protein forms E869*.
Identifiers: ClinVar variation 493514 (VCV000493514.52), dbSNP rs1555961677, ClinGen allele CA412730244.

ClinVar aggregate classification (germline): Pathogenic/Likely pathogenic. Review status: criteria provided, multiple submitters, no conflicts (2 of 4 stars). 5 submissions from 5 submitters: Pathogenic (3); Likely pathogenic (2). Last evaluated 2024-11-25.

Conditions:
Primary ciliary dyskinesia. Also called: Ciliary dyskinesia. Identifiers: Orphanet 244, MedGen C0008780, MONDO:0016575, HP:0012265.
Retinitis pigmentosa (RP). Identifiers: Orphanet 791, MedGen C0035334, MeSH D012174, MONDO:0019200, OMIM 268000. Inheritance: Autosomal dominant, autosomal recessive and X linked inheritance.

Submissions (5):

GeneDx
Classification: Pathogenic. Last evaluated: 2024-11-25. Review status: criteria provided, single submitter. Criteria: GeneDx Variant Classification Process June 2021. Collection method: clinical testing. Allele origin: germline. Affected: yes.
Comment: Nonsense variant predicted to result in protein truncation or nonsense mediated decay in a gene for which loss of function is a known mechanism of disease; Not observed at significant frequency in large population cohorts (gnomAD); This variant is associated with the following publications: (PMID: 32531858, 38586605)

Labcorp Genetics (formerly Invitae), Labcorp
Classification: Pathogenic for Primary ciliary dyskinesia. Last evaluated: 2024-07-30. Review status: criteria provided, single submitter. Criteria: Invitae Variant Classification Sherloc (09022015). Collection method: clinical testing. Allele origin: germline.
Comment: This sequence change creates a premature translational stop signal (p.Glu869*) in the RPGR (ORF15) gene. While this is not anticipated to result in nonsense mediated decay, it is expected to disrupt the last 284 amino acid(s) of the RPGR (ORF15) protein. The frequency data for this variant in the population databases is considered unreliable, as metrics indicate insufficient coverage at this position in the gnomAD database. This variant has not been reported in the literature in individuals affected with RPGR (ORF15)-related conditions. ClinVar contains an entry for this variant (Variation ID: 493514). This variant disrupts a region of the RPGR (ORF15) protein in which other variant(s) (p.Leu1130Lysfs*13) have been determined to be pathogenic (PMID: 22264887; Invitae). This suggests that this is a clinically significant region of the protein, and that variants that disrupt it are likely to be disease-causing. For these reasons, this variant has been classified as Pathogenic.

Molecular Genetics Laboratory, Institute for Ophthalmic Research
Classification: Pathogenic for Retinitis pigmentosa. Last evaluated: 2020-01-09. Review status: criteria provided, single submitter. Criteria: ACMG Guidelines, 2015. Collection method: research. Allele origin: germline. Affected: yes.

PreventionGenetics, part of Exact Sciences
Classification: Likely pathogenic. Last evaluated: 2019-03-13. Review status: criteria provided, single submitter. Criteria: ACMG Guidelines, 2015. Collection method: clinical testing. Allele origin: germline.

CeGaT Center for Human Genetics Tuebingen
Classification: Likely pathogenic. Last evaluated: 2017-10-01. Review status: criteria provided, single submitter. Criteria: CeGaT Center For Human Genetics Tuebingen Variant Classification Criteria Version 2. Collection method: clinical testing. Allele origin: germline. Affected: yes. Observed: 1 variant allele.

Literature cited by the submitters: PubMed 22264887 (cited by Labcorp Genetics (formerly Invitae), Labcorp).